The following is an entry in ClinVar:

ClinVar aggregate classification (germline): Conflicting classifications of pathogenicity. Review status: criteria provided, conflicting classifications (1 of 4 stars). 2 submissions from 2 submitters: Uncertain significance (1); Likely benign (1). Last evaluated 2024-07-27.

Conditions:
Familial sleep-related hypermotor epilepsy. Also called: Autosomal Dominant Sleep-Related Hypermotor (Hyperkinetic) Epilepsy. Identifiers: Orphanet 98784, MedGen C3696898, MONDO:0000030.
Inborn genetic diseases. Identifiers: MedGen C0950123, MeSH D030342.

Allele frequency attached by ClinVar (database versions not stated): TOPMed 0.00001; gnomAD exomes 0.00002; ESP Exome Variant Server 0.00008; ExAC 0.00002; gnomAD 0.00001.
gnomAD v4.1: 20 of 1,613,986 alleles (0.0012%); highest among the groups gnomAD compares: Admixed American, 0.0067%; no homozygotes.

Submissions (2):

Ambry Genetics
Classification: Likely benign for Inborn genetic diseases. Last evaluated: 2024-07-27. Review status: criteria provided, single submitter. Criteria: Ambry Variant Classification Scheme 2023. Collection method: clinical testing. Allele origin: germline.

Labcorp Genetics (formerly Invitae), Labcorp
Classification: Uncertain significance. Last evaluated: 2024-04-27. Review status: criteria provided, single submitter. Criteria: Invitae Variant Classification Sherloc (09022015). Collection method: clinical testing. Allele origin: germline.
Comment: This sequence change replaces arginine, which is basic and polar, with tryptophan, which is neutral and slightly polar, at codon 481 of the CHRNA2 protein (p.Arg481Trp). This variant is present in population databases (rs369803320, gnomAD 0.006%). This variant has not been reported in the literature in individuals affected with CHRNA2-related conditions. ClinVar contains an entry for this variant (Variation ID: 646040). Advanced modeling of protein sequence and biophysical properties (such as structural, functional, and spatial information, amino acid conservation, physicochemical variation, residue mobility, and thermodynamic stability) has been performed at Invitae for this missense variant, however the output from this modeling did not meet the statistical confidence thresholds required to predict the impact of this variant on CHRNA2 protein function. In summary, the available evidence is currently insufficient to determine the role of this variant in disease. Therefore, it has been classified as a Variant of Uncertain Significance.

NM_000742.4(CHRNA2):c.1441C>T (p.Arg481Trp)

Gene: CHRNA2 (cholinergic receptor nicotinic alpha 2 subunit; minus strand). Cytogenetic location: 8p21.2.
Variant type: single nucleotide variant.
Coding change: c.1441C>T on transcript NM_000742.4 (MANE Select); coding-DNA position 1441, C replaced by T.
Protein change: p.Arg481Trp; replaces arginine 481 with tryptophan.
Molecular consequence: missense variant.
Genome position (GRCh38, 1-based): chr8:27,463,002, G>A on the plus strand (C>T on the coding strand, the complement: CHRNA2 is on the minus strand). VCF-style: chr8-27463002-G-A. GRCh37 (hg19) VCF-style: chr8-27320519-G-A.
Other names: c.1396C>T, p.Arg466Trp (NM_001282455.2); c.964C>T, p.Arg322Trp (NM_001347705.2, NM_001347706.2); c.847C>T, p.Arg283Trp (NM_001347707.2, NM_001347708.2); short protein forms R283W, R322W, R466W, R481W.
Identifiers: ClinVar variation 646040 (VCV000646040.8), dbSNP rs369803320, ClinGen allele CA4689458.